The following is an entry in ClinVar:

ClinVar aggregate classification (germline): Benign. Review status: criteria provided, single submitter (1 of 4 stars). 3 submissions from 3 submitters: Benign (1). 2 of the submissions do not count toward it.

Conditions:
ZNF407-related disorder. Also called: ZNF407-related condition.

Allele frequency attached by ClinVar (database versions not stated): gnomAD exomes 0.05956 and 0.06041; ExAC 0.06271; gnomAD 0.07157 and 0.07190; TOPMed 0.07302; ESP Exome Variant Server 0.07752; 1000 Genomes Project 30x 0.07854; 1000 Genomes Project 0.08067.
gnomAD v4.1: 99,355 of 1,613,950 alleles (6.2%); highest among the groups gnomAD compares: African/African-American, 12%; 3,480 homozygotes.

Submissions (8):

Breakthrough Genomics
Classification: Benign. Review status: criteria provided, single submitter. Criteria: ACMG Guidelines, 2015. Collection method: not provided. Allele origin: germline. Inheritance: Autosomal recessive inheritance. Affected: yes.

PreventionGenetics, part of Exact Sciences
Classification: Benign for ZNF407-related condition. Last evaluated: 2019-03-05. Review status: no assertion criteria provided. Collection method: clinical testing. Allele origin: germline. Not counted in ClinVar's aggregate classification.
Comment: This variant is classified as benign based on ACMG/AMP sequence variant interpretation guidelines (Richards et al. 2015 PMID: 25741868, with internal and published modifications).

Dr. Peter K. Rogan Lab, Western University
No classification provided (evidence only). Condition: Malignant lymphoma, large B-cell, diffuse. Review status: no classification provided. Collection method: in vitro. Allele origin: not applicable. Functional consequence: retained intron. Not counted in ClinVar's aggregate classification.

Dr. Peter K. Rogan Lab, Western University
No classification provided (evidence only). Condition: Thymoma. Review status: no classification provided. Collection method: in vitro. Allele origin: not applicable. Functional consequence: retained intron. Not counted in ClinVar's aggregate classification.

Dr. Peter K. Rogan Lab, Western University
No classification provided (evidence only). Condition: Thymoma. Review status: no classification provided. Collection method: in vitro. Allele origin: not applicable. Functional consequence: retained intron. Not counted in ClinVar's aggregate classification.

Dr. Peter K. Rogan Lab, Western University
No classification provided (evidence only). Condition: Thymoma. Review status: no classification provided. Collection method: in vitro. Allele origin: not applicable. Functional consequence: retained intron. Not counted in ClinVar's aggregate classification.

Dr. Peter K. Rogan Lab, Western University
No classification provided (evidence only). Condition: Uterine carcinosarcoma. Review status: no classification provided. Collection method: in vitro. Allele origin: not applicable. Functional consequence: retained intron. Not counted in ClinVar's aggregate classification.

Genetic Services Laboratory, University of Chicago
Classification: Likely benign for AllHighlyPenetrant. Review status: no assertion criteria provided. Collection method: clinical testing. Allele origin: germline. Inheritance: Autosomal dominant inheritance. Not counted in ClinVar's aggregate classification.
Comment: Likely benign based on allele frequency in 1000 Genomes Project or ESP global frequency and its presence in a patient with a rare or unrelated disease phenotype. NOT Sanger confirmed.

NM_017757.3(ZNF407):c.206A>G (p.Asn69Ser)

Gene: ZNF407 (zinc finger protein 407; plus strand). Cytogenetic location: 18q22.3.
Variant type: single nucleotide variant.
Coding change: c.206A>G on transcript NM_017757.3 (MANE Select); coding-DNA position 206, A replaced by G.
Protein change: p.Asn69Ser; replaces asparagine 69 with serine.
Molecular consequence: missense variant.
Genome position (GRCh38, 1-based): chr18:74,631,225, A>G. VCF-style: chr18-74631225-A-G. GRCh37 (hg19) VCF-style: chr18-72343181-A-G.
Other names: NC_000018.9:g.72343181A>G; c.206A>G, p.Asn69Ser (NM_001146189.1, NM_001146190.1, NM_001384475.1); short protein forms N69S.
Identifiers: ClinVar variation 130818 (VCV000130818.10), dbSNP rs3794942, ClinGen allele CA156117.
Genomic context (GRCh38, chr18:74,631,225, plus strand): 5'-GCAAAAGAGGTTTTTCAGAATCATCGAACTCTGATAGTGTTGTTATAGGAGAAGACAGAA[A>G]TAAACATGCTTCCAAACGCAGGAAATTAGATGAGGCAGAGCCCCTTAAATCTGGAAAGCA-3'
Protein context (NP_060227.2, residues 59-79): SDSVVIGEDR[Asn69Ser]KHASKRRKLD